The following is an entry in ClinVar:

ClinVar aggregate classification (germline): Likely pathogenic (1 of 4 stars; one submission).

Conditions:
Ovarian dysgenesis 1 (ODG1). Also called: OVARIAN DYSGENESIS, HYPERGONADOTROPIC, AUTOSOMAL RECESSIVE; OVARIAN DYSGENESIS, HYPERGONADOTROPIC, WITH NORMAL KARYOTYPE; OVARIAN FAILURE, HYPERGONADOTROPIC; Gonadal dysgenesis XX type deafness; GONADAL DYSGENESIS, XX TYPE. Identifiers: Orphanet 243, MedGen C0949595, MONDO:0024463, OMIM 233300.

gnomAD v4.1: 1 of 1,614,008 alleles (0.000062%); highest among the groups gnomAD compares: South Asian, 0.0011%; no homozygotes.

Submission:

First Genomix Gene Laboratory, Genetic Diagnostics Department
Classification: Likely pathogenic for Ovarian dysgenesis 1. Last evaluated: 2025-05-23. Review status: criteria provided, single submitter. Criteria: ACMG Guidelines, 2015. Collection method: clinical testing. Allele origin: germline. Inheritance: Autosomal recessive inheritance. Affected: no. Observed: 1 variant allele.

NM_000145.4(FSHR):c.580C>T (p.Gln194Ter)

Gene: FSHR (follicle stimulating hormone receptor; minus strand). Cytogenetic location: 2p16.3.
Variant type: single nucleotide variant.
Coding change: c.580C>T on transcript NM_000145.4 (MANE Select); coding-DNA position 580, C replaced by T.
Protein change: p.Gln194Ter; replaces glutamine 194 with a stop codon.
Molecular consequence: nonsense.
Genome position (GRCh38, 1-based): chr2:48,983,111, G>A on the plus strand (C>T on the coding strand, the complement: FSHR is on the minus strand). VCF-style: chr2-48983111-G-A. GRCh37 (hg19) VCF-style: chr2-49210250-G-A.
Other names: c.502C>T, p.Gln168Ter (NM_181446.3); short protein forms Q168*, Q194*.
Identifiers: ClinVar variation 4849477 (VCV004849477.1).